The following is an entry in ClinVar:

ClinVar aggregate classification (germline): Pathogenic (1 of 4 stars; one submission).

Conditions:
Hereditary angioedema type 1 (HAE1). Identifiers: Orphanet 100050, Orphanet 100051, Orphanet 91378, MedGen C2717906, MONDO:0015053, OMIM 106100.

Submission:

DNA-diagnostics Laboratory, Research Centre For Medical Genetics
Classification: Pathogenic for Hereditary angioedema type 1. Last evaluated: 2024-08-16. Review status: criteria provided, single submitter. Criteria: ACMG Guidelines, 2015. Collection method: research. Allele origin: germline. Inheritance: Autosomal dominant inheritance. Affected: yes. Observed: 1 heterozygote.
Comment: The pathogenic or likely pathogenic SERPING1 gene variants are detected in >90% of the HAE1/2 families and in >80% of the total HAE families (e.g., DOI: 10.1016/j.molimm.2008.05.007, 10.1159/2F000138883, 10.1016/j.molimm.2011.07.010). Across all SERPING1 gene exons, about 50% of the pathogenic or likely pathogenic variants associated with HAE are LoF (173/297 in ClinVar or 292/596 in HGMD 2022.1). The same variant has previously been reported in 1 HAE1/2 family case and in 3 HAE1/2 patients with an unknown family HAE history (DOI: 10.1016/j.molimm.2008.05.007, 10.1111/all.12024, 10.1016/j.gene.2018.05.029, 10.1002/humu.23917). In summary, the c.896G>A variant in SERPING1 meets ACMG/ClinGen SVI guidance criteria to be classified as pathogenic: PVS1, PP4_Str, PS4_Mod, PM2_Sup

Literature cited by the submitters: DOI 10.1016/j.molimm.2008.05.007; DOI 10.1111/all.12024; DOI 10.1016/j.gene.2018.05.029; DOI 10.1002/humu.23917.

NM_000062.3(SERPING1):c.896G>A (p.Trp299Ter)

Gene: SERPING1 (serpin family G member 1; plus strand). Cytogenetic location: 11q12.1.
Variant type: single nucleotide variant.
Coding change: c.896G>A on transcript NM_000062.3 (MANE Select); coding-DNA position 896, G replaced by A.
Protein change: p.Trp299Ter; replaces tryptophan 299 with a stop codon.
Molecular consequence: nonsense.
Genome position (GRCh38, 1-based): chr11:57,606,414, G>A. VCF-style: chr11-57606414-G-A. GRCh37 (hg19) VCF-style: chr11-57373887-G-A.
Other names: c.896G>A, p.Trp299Ter (NM_001032295.2); short protein forms W299*.
Identifiers: ClinVar variation 3338005 (VCV003338005.2).